The following is an entry in ClinVar:

ClinVar aggregate classification (germline): Benign/Likely benign. Review status: criteria provided, multiple submitters, no conflicts (2 of 4 stars). 3 submissions from 3 submitters: Benign (2); Likely benign (1). Last evaluated 2026-02-01.

Allele frequency attached by ClinVar (database versions not stated): gnomAD exomes 0.00068 and 0.00171; ESP Exome Variant Server 0.00069; gnomAD 0.00077 and 0.00082; 1000 Genomes Project 30x 0.00094; TOPMed 0.00098; 1000 Genomes Project 0.00120; ExAC 0.00156.
gnomAD v4.1: 1,177 of 1,613,904 alleles (0.073%); highest among the groups gnomAD compares: East Asian, 0.57%; 3 homozygotes.

Submissions (3):

Labcorp Genetics (formerly Invitae), Labcorp
Classification: Benign. Last evaluated: 2026-02-01. Review status: criteria provided, single submitter. Criteria: Invitae Variant Classification Sherloc (09022015). Collection method: clinical testing. Allele origin: germline.

CeGaT Center for Human Genetics Tuebingen
Classification: Benign. Last evaluated: 2025-01-01. Review status: criteria provided, single submitter. Criteria: CeGaT Center For Human Genetics Tuebingen Variant Classification Criteria Version 2. Collection method: clinical testing. Allele origin: germline. Affected: yes. Observed: 1 variant allele.
Comment: NBAS: BP4, BS1, BS2

Blueprint Genetics
Classification: Likely benign. Last evaluated: 2024-11-14. Review status: criteria provided, single submitter. Criteria: ACMG Guidelines, 2015. Collection method: clinical testing. Allele origin: germline.

NM_015909.4(NBAS):c.6805G>A (p.Glu2269Lys)

Gene: NBAS (NBAS subunit of NRZ tethering complex; minus strand). Cytogenetic location: 2p24.3.
Variant type: single nucleotide variant.
Coding change: c.6805G>A on transcript NM_015909.4 (MANE Select); coding-DNA position 6805, G replaced by A.
Protein change: p.Glu2269Lys; replaces glutamic acid 2269 with lysine.
Molecular consequence: missense variant. On other transcripts: non-coding transcript variant (1).
Genome position (GRCh38, 1-based): chr2:15,179,023, C>T on the plus strand (G>A on the coding strand, the complement: NBAS is on the minus strand). VCF-style: chr2-15179023-C-T. GRCh37 (hg19) VCF-style: chr2-15319147-C-T.
Other names: short protein forms E2269K.
Identifiers: ClinVar variation 1601069 (VCV001601069.22), dbSNP rs150030853, ClinGen allele CA1534879.